The following is an entry in ClinVar:

ClinVar aggregate classification (germline): Uncertain significance. Review status: criteria provided, multiple submitters, no conflicts (2 of 4 stars). 2 submissions from 2 submitters: Uncertain significance (2). Last evaluated 2024-08-23.

Conditions:
Congenital adrenal insufficiency with 46, XY sex reversal OR 46,XY disorder of sex development-adrenal insufficiency due to CYP11A1 deficiency. Also called: Congenital adrenal insuffiency with 46, XY sex reversal OR 46,XY disorder of sex development-adrenal insufficiency due to CYP11A1 deficiency; P450scc DEFICIENCY. Identifiers: Orphanet 168558, MedGen C3151055, MONDO:0013400, OMIM 613743.

Submissions (2):

Women's Health and Genetics/Laboratory Corporation of America, LabCorp
Classification: Uncertain significance. Last evaluated: 2024-08-23. Review status: criteria provided, single submitter. Criteria: LabCorp Variant Classification Summary - May 2015. Collection method: clinical testing. Allele origin: germline.
Comment: Variant summary: CYP11A1 c.17T>G (p.Leu6Arg) results in a non-conservative amino acid change in the encoded protein sequence. Three of five in-silico tools predict a damaging effect of the variant on protein function. The variant allele was found at a frequency of 2.4e-05 in 250496 control chromosomes, predominantly at a frequency of 5.3e-05 within the Non-Finnish European subpopulation in the gnomAD database. The available data on variant occurrences in the general population are insufficient to allow any conclusion about variant significance. To our knowledge, no occurrence of c.17T>G in individuals affected with Adrenal Insufficiency, Congenital, With 46XY Sex Reversal, Partial Or Complete and no experimental evidence demonstrating its impact on protein function have been reported. No submitters have cited clinical-significance assessments for this variant to ClinVar. Based on the evidence outlined above, the variant was classified as uncertain significance.

Fulgent Genetics
Classification: Uncertain significance for Congenital adrenal insufficiency with 46, XY sex reversal OR 46,XY disorder of sex development-adrenal insufficiency due to CYP11A1 deficiency. Last evaluated: 2024-06-17. Review status: criteria provided, single submitter. Criteria: ACMG Guidelines, 2015. Collection method: clinical testing. Allele origin: germline.

NM_000781.3(CYP11A1):c.17T>G (p.Leu6Arg)

Gene: CYP11A1 (cytochrome P450 family 11 subfamily A member 1; minus strand). Cytogenetic location: 15q24.1.
Variant type: single nucleotide variant.
Coding change: c.17T>G on transcript NM_000781.3 (MANE Select); coding-DNA position 17, T replaced by G.
Protein change: p.Leu6Arg; replaces leucine 6 with arginine.
Molecular consequence: missense variant.
Genome position (GRCh38, 1-based): chr15:74,367,569, A>C on the plus strand (T>G on the coding strand, the complement: CYP11A1 is on the minus strand). VCF-style: chr15-74367569-A-C. GRCh37 (hg19) VCF-style: chr15-74659910-A-C.
Other names: short protein forms L6R.
Identifiers: ClinVar variation 3366611 (VCV003366611.2).